The following is an entry in ClinVar:

NM_000053.4(ATP7B):c.2040G>C (p.Gln680His)

Gene: ATP7B (ATPase copper transporting beta; minus strand). Cytogenetic location: 13q14.3.
Variant type: single nucleotide variant.
Coding change: c.2040G>C on transcript NM_000053.4 (MANE Select); coding-DNA position 2040, G replaced by C.
Protein change: p.Gln680His; replaces glutamine 680 with histidine.
Molecular consequence: missense variant. On other transcripts: intron variant (13).
Genome position (GRCh38, 1-based): chr13:51,960,229, C>G on the plus strand (G>C on the coding strand, the complement: ATP7B is on the minus strand). VCF-style: chr13-51960229-C-G. GRCh37 (hg19) VCF-style: chr13-52534365-C-G.
Other names: c.1707G>C, p.Gln569His (NM_001243182.2); c.2040G>C, p.Gln680His (NM_001330578.2, NM_001406511.1, NM_001406512.1 and 16 more transcripts); c.2007G>C, p.Gln669His (NM_001406514.1, NM_001406524.1); c.1944G>C, p.Gln648His (NM_001406517.1, NM_001406518.1, NM_001406530.1 and 1 more transcripts); c.1611G>C, p.Gln537His (NM_001406539.1); c.1870-2622G>C (NM_001406541.1, NM_001005918.3, NM_001406546.1 and 1 more transcripts); c.1870-1685G>C (NM_001406531.1, NM_001406532.1, NM_001406540.1 and 1 more transcripts); c.1774-1685G>C (NM_001406543.1); and 3 more; short protein forms Q537H, Q569H, Q648H, Q669H, Q680H.
Identifiers: ClinVar variation 2580450 (VCV002580450.1), dbSNP rs1205726044, ClinGen allele CA388025230.

ClinVar aggregate classification (germline): Uncertain significance (1 of 4 stars; one submission).

Allele frequency attached by ClinVar (database versions not stated): gnomAD 0.00001.
gnomAD v4.1: 1 of 1,613,848 alleles (0.000062%); highest among the groups gnomAD compares: African/African-American, 0.0013%; no homozygotes.

Submission:

GeneDx
Classification: Uncertain significance. Last evaluated: 2023-03-24. Review status: criteria provided, single submitter. Criteria: GeneDx Variant Classification Process June 2021. Collection method: clinical testing. Allele origin: germline. Affected: yes.
Comment: Not observed at significant frequency in large population cohorts (gnomAD); In silico analysis supports that this missense variant does not alter protein structure/function; Has not been previously published as pathogenic or benign to our knowledge